The following is an entry in ClinVar:

ClinVar aggregate classification (germline): Likely benign. Review status: criteria provided, multiple submitters, no conflicts (2 of 4 stars). 2 submissions from 2 submitters: Likely benign (2). Last evaluated 2024-06-05.

Conditions:
Ataxia-telangiectasia syndrome (AT). Also called: ATAXIA-TELANGIECTASIA, COMPLEMENTATION GROUP A; ATAXIA-TELANGIECTASIA, FRESNO VARIANT; Ataxia-telangiectasia; Ataxia-telangiectasia, complementation group E; LOUIS-BAR SYNDROME; Cerebello-oculocutaneous telangiectasia. Identifiers: Orphanet 100, MedGen C0004135, MONDO:0008840, OMIM 208900.
Familial cancer of breast. Also called: BREAST CANCER, FAMILIAL; Hereditary breast cancer; hereditary breast carcinoma. Identifiers: Orphanet 227535, MedGen C0346153, MONDO:0016419, OMIM 114480. Disease mechanism: loss of function.

Allele frequency attached by ClinVar (database versions not stated): gnomAD exomes below 0.00001.
gnomAD v4.1: 1 of 1,554,602 alleles (0.000064%); highest among the groups gnomAD compares: Non-Finnish European, 0.000089%; no homozygotes.

Submissions (2):

Myriad Genetics, Inc.
Classification: Likely benign for Familial cancer of breast. Last evaluated: 2024-06-05. Review status: criteria provided, single submitter. Criteria: Myriad Autosomal Dominant, Autosomal Recessive and X-Linked Classification Criteria (2023). Collection method: clinical testing. Allele origin: unknown.
Comment: This variant is considered likely benign. This variant is intronic and is not expected to impact mRNA splicing.

Labcorp Genetics (formerly Invitae), Labcorp
Classification: Likely benign for Ataxia-telangiectasia syndrome. Last evaluated: 2023-10-12. Review status: criteria provided, single submitter. Criteria: Invitae Variant Classification Sherloc (09022015). Collection method: clinical testing. Allele origin: germline.

NM_000051.4(ATM):c.6348-19T>C

Genes: C11orf65 (chromosome 11 open reading frame 65; minus strand), ATM (ATM serine/threonine kinase; plus strand). Cytogenetic location: 11q22.3.
Variant type: single nucleotide variant.
Coding change: c.6348-19T>C on transcript NM_000051.4 (MANE Select); 19 bases into the intron before coding-DNA position 6348, T replaced by C.
Molecular consequence: intron variant.
Genome position (GRCh38, 1-based): chr11:108,319,935, T>C. VCF-style: chr11-108319935-T-C. GRCh37 (hg19) VCF-style: chr11-108190662-T-C.
Other names: c.6348-19T>C (NM_001351834.2); c.641-10864A>G (NM_001330368.2); c.*39-10864A>G (NM_001351110.2).
Identifiers: ClinVar variation 2918845 (VCV002918845.4), dbSNP rs2547143755, ClinGen allele CA2615862342.